The following is an entry in ClinVar:

ClinVar aggregate classification (germline): Uncertain significance (1 of 4 stars; one submission).

Allele frequency attached by ClinVar (database versions not stated): gnomAD exomes below 0.00001; ExAC 0.00001; gnomAD 0.00001; 1000 Genomes Project 0.00020; 1000 Genomes Project 30x 0.00031.
gnomAD v4.1: 5 of 1,614,128 alleles (0.00031%); highest among the groups gnomAD compares: African/African-American, 0.0013%; no homozygotes.

Submission:

Labcorp Genetics (formerly Invitae), Labcorp
Classification: Uncertain significance. Last evaluated: 2022-06-15. Review status: criteria provided, single submitter. Criteria: Invitae Variant Classification Sherloc (09022015). Collection method: clinical testing. Allele origin: germline.
Comment: This sequence change replaces asparagine, which is neutral and polar, with serine, which is neutral and polar, at codon 763 of the MTOR protein (p.Asn763Ser). This variant is not present in population databases (gnomAD no frequency). This variant has not been reported in the literature in individuals affected with MTOR-related conditions. Advanced modeling of protein sequence and biophysical properties (such as structural, functional, and spatial information, amino acid conservation, physicochemical variation, residue mobility, and thermodynamic stability) performed at Invitae indicates that this missense variant is not expected to disrupt MTOR protein function. In summary, the available evidence is currently insufficient to determine the role of this variant in disease. Therefore, it has been classified as a Variant of Uncertain Significance.

NM_004958.4(MTOR):c.2288A>G (p.Asn763Ser)

Gene: MTOR (mechanistic target of rapamycin kinase; minus strand). Cytogenetic location: 1p36.22.
Variant type: single nucleotide variant.
Coding change: c.2288A>G on transcript NM_004958.4 (MANE Select); coding-DNA position 2288, A replaced by G.
Protein change: p.Asn763Ser; replaces asparagine 763 with serine.
Molecular consequence: missense variant.
Genome position (GRCh38, 1-based): chr1:11,234,186, T>C on the plus strand (A>G on the coding strand, the complement: MTOR is on the minus strand). VCF-style: chr1-11234186-T-C. GRCh37 (hg19) VCF-style: chr1-11294243-T-C.
Other names: c.2288A>G, p.Asn763Ser (NM_001386500.1); c.1040A>G, p.Asn347Ser (NM_001386501.1); short protein forms N763S, N347S.
Identifiers: ClinVar variation 2159498 (VCV002159498.4), dbSNP rs564665938, ClinGen allele CA590535.